The following is an entry in ClinVar:

NM_006949.4(STXBP2):c.178G>A (p.Asp60Asn)

Gene: STXBP2 (syntaxin binding protein 2; plus strand). Cytogenetic location: 19p13.2.
Variant type: single nucleotide variant.
Coding change: c.178G>A on transcript NM_006949.4 (MANE Select); coding-DNA position 178, G replaced by A.
Protein change: p.Asp60Asn; replaces aspartic acid 60 with asparagine.
Molecular consequence: missense variant. On other transcripts: non-coding transcript variant (1).
Genome position (GRCh38, 1-based): chr19:7,639,739, G>A. VCF-style: chr19-7639739-G-A. GRCh37 (hg19) VCF-style: chr19-7704625-G-A.
Other names: c.178G>A, p.Asp60Asn (NM_001127396.3, NM_001272034.2); short protein forms D60N.
Identifiers: ClinVar variation 945093 (VCV000945093.9), dbSNP rs2031710370, ClinGen allele CA403155499.

ClinVar aggregate classification (germline): Uncertain significance (1 of 4 stars; one submission).

Conditions:
Familial hemophagocytic lymphohistiocytosis 5. Also called: STXBP2-Related Familial Hemophagocytic Lymphohistiocytosis (STXBP2-fHLH). Identifiers: Orphanet 540, MedGen C2751293, MONDO:0013135, OMIM 613101.

Allele frequency attached by ClinVar (database versions not stated): TOPMed below 0.00001; gnomAD 0.00001.
gnomAD v4.1: 1 of 1,613,032 alleles (0.000062%); highest among the groups gnomAD compares: Non-Finnish European, 0.000085%; no homozygotes.

Submission:

Labcorp Genetics (formerly Invitae), Labcorp
Classification: Uncertain significance for Familial hemophagocytic lymphohistiocytosis 5. Last evaluated: 2019-10-10. Review status: criteria provided, single submitter. Criteria: Invitae Variant Classification Sherloc (09022015). Collection method: clinical testing. Allele origin: germline.
Comment: Algorithms developed to predict the effect of missense changes on protein structure and function are either unavailable or do not agree on the potential impact of this missense change (SIFT: "Tolerated"; PolyPhen-2: "Possibly Damaging"; Align-GVGD: "Class C0"). In summary, the available evidence is currently insufficient to determine the role of this variant in disease. Therefore, it has been classified as a Variant of Uncertain Significance. This variant has not been reported in the literature in individuals with STXBP2-related conditions. This variant is not present in population databases (ExAC no frequency). This sequence change replaces aspartic acid with asparagine at codon 60 of the STXBP2 protein (p.Asp60Asn). The aspartic acid residue is highly conserved and there is a small physicochemical difference between aspartic acid and asparagine.